The following is an entry in ClinVar:

NM_005188.4(CBL):c.165G>A (p.Met55Ile)

Genes: CBL (Cbl proto-oncogene; plus strand), LOC130006895 (ATAC-STARR-seq lymphoblastoid silent region 3975; plus strand). Cytogenetic location: 11q23.3.
Variant type: single nucleotide variant.
Coding change: c.165G>A on transcript NM_005188.4 (MANE Select); coding-DNA position 165, G replaced by A.
Protein change: p.Met55Ile; replaces methionine 55 with isoleucine.
Molecular consequence: missense variant.
Genome position (GRCh38, 1-based): chr11:119,206,582, G>A. VCF-style: chr11-119206582-G-A. GRCh37 (hg19) VCF-style: chr11-119077292-G-A.
Other names: short protein forms M55I.
Identifiers: ClinVar variation 3827814 (VCV003827814.2).

ClinVar aggregate classification (germline): Uncertain significance. Review status: criteria provided, multiple submitters, no conflicts (2 of 4 stars). 2 submissions from 2 submitters: Uncertain significance (2). Last evaluated 2025-07-20.

Conditions:
Cardiovascular phenotype. Identifiers: MedGen CN230736.
RASopathy. Also called: rasopathies; Noonan spectrum disorder. Identifiers: Orphanet 536391, MedGen C5555857, MONDO:0021060.

Submissions (2):

Labcorp Genetics (formerly Invitae), Labcorp
Classification: Uncertain significance for RASopathy. Last evaluated: 2025-07-20. Review status: criteria provided, single submitter. Criteria: Invitae Variant Classification Sherloc (09022015). Collection method: clinical testing. Allele origin: germline.
Comment: This sequence change replaces methionine, which is neutral and non-polar, with isoleucine, which is neutral and non-polar, at codon 55 of the CBL protein (p.Met55Ile). This variant is not present in population databases (gnomAD no frequency). This variant has not been reported in the literature in individuals affected with CBL-related conditions. ClinVar contains an entry for this variant (Variation ID: 3827814). Invitae Evidence Modeling of protein sequence and biophysical properties (such as structural, functional, and spatial information, amino acid conservation, physicochemical variation, residue mobility, and thermodynamic stability) indicates that this missense variant is not expected to disrupt CBL protein function with a negative predictive value of 95%. In summary, the available evidence is currently insufficient to determine the role of this variant in disease. Therefore, it has been classified as a Variant of Uncertain Significance.

Ambry Genetics
Classification: Uncertain significance for Cardiovascular phenotype. Last evaluated: 2025-01-23. Review status: criteria provided, single submitter. Criteria: Ambry Variant Classification Scheme 2023. Collection method: clinical testing. Allele origin: germline.
Comment: The p.M55I variant (also known as c.165G>A), located in coding exon 1 of the CBL gene, results from a G to A substitution at nucleotide position 165. The methionine at codon 55 is replaced by isoleucine, an amino acid with highly similar properties. This amino acid position is conserved. In addition, the in silico prediction for this alteration is inconclusive. Based on the available evidence, the clinical significance of this variant remains unclear.